The following is an entry in ClinVar:

ClinVar aggregate classification (germline): Pathogenic (1 of 4 stars; one submission).

Conditions:
Tuberous sclerosis 2 (TSC2). Identifiers: Orphanet 805, MedGen C1860707, MONDO:0013199, OMIM 613254.

Submission:

Labcorp Genetics (formerly Invitae), Labcorp
Classification: Pathogenic for Tuberous sclerosis 2. Last evaluated: 2023-01-16. Review status: criteria provided, single submitter. Criteria: Invitae Variant Classification Sherloc (09022015). Collection method: clinical testing. Allele origin: unknown.
Comment: For these reasons, this variant has been classified as Pathogenic. This variant disrupts a region of the TSC2 protein in which other variant(s) (p.His1746_Arg1751) have been determined to be pathogenic (PMID: 9829910, 11112665, 15024740, 15874888). This suggests that this is a clinically significant region of the protein, and that variants that disrupt it are likely to be disease-causing. This variant has not been reported in the literature in individuals affected with TSC2-related conditions. This variant is a gross deletion of the genomic region encompassing exon(s) 16-42 of the TSC2 gene, which includes the termination codon. This deletion extends beyond the assayed region for this gene and therefore may encompass additional genes. While this deletion is not anticipated to lead to nonsense mediated decay, it is expected to alter mRNA translation or result in a truncated protein product.

Literature cited by the submitters: PubMed 9829910; PubMed 11112665; PubMed 15024740; PubMed 15874888.

NC_000016.9:g.(?_2115500)_(2138611_?)del

Gene: TSC2 (TSC complex subunit 2; plus strand). Cytogenetic location: 16p13.3.
Variant type: Deletion.
Identifiers: ClinVar variation 3243452 (VCV003243452.1).